The following is an entry in ClinVar:

ClinVar aggregate classification (germline): Uncertain significance (1 of 4 stars; one submission).

Allele frequency attached by ClinVar (database versions not stated): gnomAD exomes below 0.00001.
gnomAD v4.1: 1 of 1,614,160 alleles (0.000062%); highest among the groups gnomAD compares: Non-Finnish European, 0.000085%; no homozygotes.

Submission:

Labcorp Genetics (formerly Invitae), Labcorp
Classification: Uncertain significance. Last evaluated: 2025-09-15. Review status: criteria provided, single submitter. Criteria: Invitae Variant Classification Sherloc (09022015). Collection method: clinical testing. Allele origin: germline.
Comment: This sequence change replaces leucine, which is neutral and non-polar, with proline, which is neutral and non-polar, at codon 59 of the GNAT1 protein (p.Leu59Pro). This variant is not present in population databases (gnomAD no frequency). This variant has not been reported in the literature in individuals affected with GNAT1-related conditions. ClinVar contains an entry for this variant (Variation ID: 2116824). Invitae Evidence Modeling of protein sequence and biophysical properties (such as structural, functional, and spatial information, amino acid conservation, physicochemical variation, residue mobility, and thermodynamic stability) indicates that this missense variant is not expected to disrupt GNAT1 protein function with a negative predictive value of 80%. In summary, the available evidence is currently insufficient to determine the role of this variant in disease. Therefore, it has been classified as a Variant of Uncertain Significance.

NM_144499.3(GNAT1):c.176T>C (p.Leu59Pro)

Gene: GNAT1 (G protein subunit alpha transducin 1; plus strand). Cytogenetic location: 3p21.31.
Variant type: single nucleotide variant.
Coding change: c.176T>C on transcript NM_144499.3 (MANE Select); coding-DNA position 176, T replaced by C.
Protein change: p.Leu59Pro; replaces leucine 59 with proline.
Molecular consequence: missense variant.
Genome position (GRCh38, 1-based): chr3:50,193,291, T>C. VCF-style: chr3-50193291-T-C. GRCh37 (hg19) VCF-style: chr3-50230724-T-C.
Other names: c.176T>C, p.Leu59Pro (NM_000172.4); short protein forms L59P.
Identifiers: ClinVar variation 2116824 (VCV002116824.4), dbSNP rs2546144237, ClinGen allele CA352912760.
Genomic context (GRCh38, chr3:50,193,291, plus strand): 5'-CACGAGGCGCTGATTCTGCTCTCCTCGGCCTCAGGATTATCCACCAGGACGGGTACTCGC[T>C]GGAAGAGTGCCTCGAGTTTATCGCCATCATCTACGGCAACACGTTGCAGTCCATCCTGGC-3'
Protein context (NP_653082.1, residues 49-69): MKIIHQDGYS[Leu59Pro]EECLEFIAII